The following is an entry in ClinVar:

NM_001042492.3(NF1):c.5694A>G (p.Leu1898=)

Gene: NF1 (neurofibromin 1; plus strand). Cytogenetic location: 17q11.2.
Variant type: single nucleotide variant.
Coding change: c.5694A>G on transcript NM_001042492.3 (MANE Select); coding-DNA position 5694, A replaced by G.
Protein change: p.Leu1898=; no amino-acid change (leucine 1898 retained).
Molecular consequence: synonymous variant.
Genome position (GRCh38, 1-based): chr17:31,330,380, A>G. VCF-style: chr17-31330380-A-G. GRCh37 (hg19) VCF-style: chr17-29657398-A-G.
Other names: c.5631A>G, p.Leu1877= (NM_000267.4).
Identifiers: ClinVar variation 527525 (VCV000527525.14), dbSNP rs1555533863, ClinGen allele CA499233452.

ClinVar aggregate classification (germline): Conflicting classifications of pathogenicity. Review status: criteria provided, conflicting classifications (1 of 4 stars). 4 submissions from 4 submitters: Uncertain significance (2); Likely benign (2). Last evaluated 2026-06-26.

Conditions:
Hereditary cancer-predisposing syndrome. Also called: Neoplastic Syndromes, Hereditary; Hereditary Cancer Syndrome; Hereditary neoplastic syndrome; Tumor predisposition. Identifiers: Orphanet 140162, MedGen C0027672, MeSH D009386, MONDO:0015356.
Cardiovascular phenotype. Identifiers: MedGen CN230736.
Neurofibromatosis, type 1 (NF1). Also called: NEUROFIBROMATOSIS, TYPE I, SOMATIC; Peripheral type neurofibromatosis; Neurofibromatosis, type I; VON RECKLINGHAUSEN DISEASE. Identifiers: Orphanet 636, MedGen C0027831, MONDO:0018975, OMIM 162200. Disease mechanism: loss of function.

Allele frequency attached by ClinVar (database versions not stated): gnomAD exomes below 0.00001.
gnomAD v4.1: 2 of 1,613,964 alleles (0.00012%); highest among the groups gnomAD compares: East Asian, 0.0022%; no homozygotes.

Submissions (4):

Women's Health and Genetics/Laboratory Corporation of America, LabCorp
Classification: Likely benign. Last evaluated: 2026-06-26. Review status: criteria provided, single submitter. Criteria: LabCorp Variant Classification Summary - May 2015. Collection method: clinical testing. Allele origin: germline.

Labcorp Genetics (formerly Invitae), Labcorp
Classification: Uncertain significance for Neurofibromatosis, type 1. Last evaluated: 2024-09-17. Review status: criteria provided, single submitter. Criteria: Invitae Variant Classification Sherloc (09022015). Collection method: clinical testing. Allele origin: germline.
Comment: This sequence change affects codon 1877 of the NF1 mRNA. It is a 'silent' change, meaning that it does not change the encoded amino acid sequence of the NF1 protein. This variant is not present in population databases (gnomAD no frequency). This variant has not been reported in the literature in individuals affected with NF1-related conditions. ClinVar contains an entry for this variant (Variation ID: 527525). Algorithms developed to predict the effect of sequence changes on RNA splicing suggest that this variant may create or strengthen a splice site. In summary, the available evidence is currently insufficient to determine the role of this variant in disease. Therefore, it has been classified as a Variant of Uncertain Significance.

Ambry Genetics
Classification: Likely benign for Cardiovascular phenotype; Hereditary cancer-predisposing syndrome. Last evaluated: 2022-10-07. Review status: criteria provided, single submitter. Criteria: Ambry Variant Classification Scheme 2023. Collection method: clinical testing. Allele origin: germline.

Genome-Nilou Lab
Classification: Uncertain significance for Neurofibromatosis, type 1. Last evaluated: 2022-03-15. Review status: criteria provided, single submitter. Criteria: ACMG Guidelines, 2015. Collection method: clinical testing. Allele origin: germline. Affected: no.